The following is an entry in ClinVar:

ClinVar aggregate classification (germline): Uncertain significance (1 of 4 stars; one submission).

Allele frequency attached by ClinVar (database versions not stated): TOPMed below 0.00001.

Submission:

Labcorp Genetics (formerly Invitae), Labcorp
Classification: Uncertain significance. Last evaluated: 2022-07-12. Review status: criteria provided, single submitter. Criteria: Invitae Variant Classification Sherloc (09022015). Collection method: clinical testing. Allele origin: germline.
Comment: This sequence change replaces isoleucine, which is neutral and non-polar, with asparagine, which is neutral and polar, at codon 98 of the COL18A1 protein (p.Ile98Asn). This variant is not present in population databases (gnomAD no frequency). This variant has not been reported in the literature in individuals affected with COL18A1-related conditions. Experimental studies and prediction algorithms are not available or were not evaluated, and the functional significance of this variant is currently unknown. In summary, the available evidence is currently insufficient to determine the role of this variant in disease. Therefore, it has been classified as a Variant of Uncertain Significance.

NM_001379500.1(COL18A1):c.293T>A (p.Ile98Asn)

Gene: COL18A1 (collagen type XVIII alpha 1 chain; plus strand). Cytogenetic location: 21q22.3.
Variant type: single nucleotide variant.
Coding change: c.293T>A on transcript NM_001379500.1 (MANE Select); coding-DNA position 293, T replaced by A.
Protein change: p.Ile98Asn; replaces isoleucine 98 with asparagine.
Molecular consequence: missense variant.
Genome position (GRCh38, 1-based): chr21:45,468,428, T>A. VCF-style: chr21-45468428-T-A. GRCh37 (hg19) VCF-style: chr21-46888342-T-A.
Other names: c.833T>A, p.Ile278Asn (NM_030582.4); c.1538T>A, p.Ile513Asn (NM_130444.3); short protein forms I278N, I513N, I98N.
Identifiers: ClinVar variation 2010998 (VCV002010998.1), dbSNP rs2035295042, ClinGen allele CA410511751.